The following is an entry in ClinVar:

NM_000531.6(OTC):c.642C>A (p.His214Gln)

Gene: OTC (ornithine transcarbamylase; plus strand). Cytogenetic location: Xp11.4.
Variant type: single nucleotide variant.
Coding change: c.642C>A on transcript NM_000531.6 (MANE Select); coding-DNA position 642, C replaced by A.
Protein change: p.His214Gln; replaces histidine 214 with glutamine.
Molecular consequence: missense variant.
Genome position (GRCh38, 1-based): chrX:38,403,719, C>A. VCF-style: chrX-38403719-C-A. GRCh37 (hg19) VCF-style: chrX-38262972-C-A.
Other names: c.642C>A, p.His214Gln (NM_001407092.1); short protein forms H214Q.
Identifiers: ClinVar variation 2630328 (VCV002630328.8), dbSNP rs1602031079, ClinGen allele CA412725921.
Genomic context (GRCh38, chrX:38,403,719, plus strand): 5'-CGGGGATGGGAACAATATCCTGCACTCCATCATGATGAGCGCAGCGAAATTCGGAATGCA[C>A]CTTCAGGCAGCTACTCCAAAGGTAGGGAAACTTTTTGCCTTGAAACTAACCCCTCTCTTA-3'
Protein context (NP_000522.3, residues 204-224): IMMSAAKFGM[His214Gln]LQAATPKGYE

ClinVar aggregate classification (germline): Conflicting classifications of pathogenicity. Review status: criteria provided, conflicting classifications (1 of 4 stars). 4 submissions from 4 submitters: Likely pathogenic (1); Uncertain significance (2). 1 of the submissions does not count toward it. Last evaluated 2024-04-08.

Conditions:
Inborn genetic diseases. Identifiers: MedGen C0950123, MeSH D030342.
Ornithine carbamoyltransferase deficiency (OTCD). Also called: ORNITHINE TRANSCARBAMYLASE DEFICIENCY; ORNITHINE TRANSCARBAMYLASE DEFICIENCY, HYPERAMMONEMIA DUE TO; OTC DEFICIENCY; Ornithine Carbamoyltransferase Deficiency Disease. Identifiers: Orphanet 664, MedGen C0268542, MONDO:0010703, OMIM 311250.
OTC-related disorder. Also called: OTC-related condition.

Submissions (4):

Ambry Genetics
Classification: Uncertain significance for Inborn genetic diseases. Last evaluated: 2024-04-08. Review status: criteria provided, single submitter. Criteria: Ambry Variant Classification Scheme 2023. Collection method: clinical testing. Allele origin: germline.

Labcorp Genetics (formerly Invitae), Labcorp
Classification: Uncertain significance for Ornithine carbamoyltransferase deficiency. Last evaluated: 2023-12-21. Review status: criteria provided, single submitter. Criteria: Invitae Variant Classification Sherloc (09022015). Collection method: clinical testing. Allele origin: germline.
Comment: This sequence change replaces histidine, which is basic and polar, with glutamine, which is neutral and polar, at codon 214 of the OTC protein (p.His214Gln). This variant is not present in population databases (gnomAD no frequency). This variant has not been reported in the literature in individuals affected with OTC-related conditions. ClinVar contains an entry for this variant (Variation ID: 2630328). Advanced modeling of protein sequence and biophysical properties (such as structural, functional, and spatial information, amino acid conservation, physicochemical variation, residue mobility, and thermodynamic stability) performed at Invitae indicates that this missense variant is expected to disrupt OTC protein function with a positive predictive value of 95%. In summary, the available evidence is currently insufficient to determine the role of this variant in disease. Therefore, it has been classified as a Variant of Uncertain Significance.

Juno Genomics, Hangzhou Juno Genomics, Inc
Classification: Likely pathogenic for Ornithine carbamoyltransferase deficiency. Review status: criteria provided, single submitter. Criteria: ACMG Guidelines, 2015. Collection method: clinical testing. Allele origin: germline.
Comment: Absent from controls (or at extremely low frequency if recessive) in Genome Aggregation Database.;Multiple lines of computational evidence support a deleterious effect on the gene or gene product.;The prevalence of the variant in affected individuals is significantly increased compared to the prevalence in controls.;Patient's phenotype or family history is highly specific for a disease with a single genetic etiology.

PreventionGenetics, part of Exact Sciences
Classification: Uncertain significance for OTC-related condition. Last evaluated: 2024-08-12. Review status: no assertion criteria provided. Collection method: clinical testing. Allele origin: germline. Not counted in ClinVar's aggregate classification.
Comment: The OTC c.642C>A variant is predicted to result in the amino acid substitution p.His214Gln. This variant has been reported in the hemizygous state in two males with hyperammonemia and elevated urine orotic acid levels, suggestive of ornithine transcarbamylase deficiency (OTCD) (Sheng et al. 2024. DOI 10.7326/aimcc.2023.1399; Internal Data, PreventionGenetics). It has not been reported in a large population database, indicating this variant is rare. An alternate nucleotide change affecting the same amino acid (c.640C>T; p.His214Tyr) has been reported to impact protein function (Lo et al. 2023. PubMed ID: 37146589), yet another report found conflicting results using computational tools and in-silico predictions (Magesh et al. 2014. PubMed ID: 28324312). The p.His214Tyr variant was found in an asymptomatic mother whose son died from acute neonatal onset of OTC deficiency; however, genetic testing was never performed on the child (Yoo et al. 1996. PubMed ID: 8830175). This variant could be pathogenic. At this time, the clinical significance of this variant is uncertain due to the absence of conclusive functional and genetic evidence.